The following is an entry in ClinVar:

NM_024422.6(DSC2):c.1114G>C (p.Glu372Gln)

Gene: DSC2 (desmocollin 2; minus strand). Cytogenetic location: 18q12.1.
Variant type: single nucleotide variant.
Coding change: c.1114G>C on transcript NM_024422.6 (MANE Select); coding-DNA position 1114, G replaced by C.
Protein change: p.Glu372Gln; replaces glutamic acid 372 with glutamine.
Molecular consequence: missense variant.
Genome position (GRCh38, 1-based): chr18:31,082,387, C>G on the plus strand (G>C on the coding strand, the complement: DSC2 is on the minus strand). VCF-style: chr18-31082387-C-G. GRCh37 (hg19) VCF-style: chr18-28662353-C-G.
Other names: c.685G>C, p.Glu229Gln (NM_001406506.1, NM_001406507.1); c.1114G>C, p.Glu372Gln (NM_004949.5); short protein forms E372Q, E229Q.
Identifiers: ClinVar variation 4824031 (VCV004824031.1).

ClinVar aggregate classification (germline): Uncertain significance (1 of 4 stars; one submission).

Conditions:
Cardiovascular phenotype. Identifiers: MedGen CN230736.

Submission:

Ambry Genetics
Classification: Uncertain significance for Cardiovascular phenotype. Last evaluated: 2026-01-25. Review status: criteria provided, single submitter. Criteria: Ambry Variant Classification Scheme 2023. Collection method: clinical testing. Allele origin: germline.
Comment: The p.E372Q variant (also known as c.1114G>C), located in coding exon 9 of the DSC2 gene, results from a G to C substitution at nucleotide position 1114. The glutamic acid at codon 372 is replaced by glutamine, an amino acid with highly similar properties. This amino acid position is conserved. In addition, this alteration is predicted to be tolerated by in silico analysis. Based on the available evidence, the clinical significance of this variant remains unclear.